The following is an entry in ClinVar:

NM_003743.5(NCOA1):c.3649T>G (p.Phe1217Val)

Gene: NCOA1 (nuclear receptor coactivator 1; plus strand). Cytogenetic location: 2p23.3.
Variant type: single nucleotide variant.
Coding change: c.3649T>G on transcript NM_003743.5 (MANE Select); coding-DNA position 3649, T replaced by G.
Protein change: p.Phe1217Val; replaces phenylalanine 1217 with valine.
Molecular consequence: missense variant.
Genome position (GRCh38, 1-based): chr2:24,742,129, T>G. VCF-style: chr2-24742129-T-G. GRCh37 (hg19) VCF-style: chr2-24964998-T-G.
Other names: c.3649T>G, p.Phe1217Val (NM_001362950.1, NM_001362952.1, NM_001362954.1 and 3 more transcripts); short protein forms F1217V.
Identifiers: ClinVar variation 4983195 (VCV004983195.1).
Genomic context (GRCh38, chr2:24,742,129, plus strand): 5'-TCCTTGGCCAACCGCAACAGCATGGTGAGCAGAGGCATGACAGGAAACATAGGAGGACAG[T>G]TTGGCACTGGAATCAATCCTCAGATGCAGCAGAATGTCTTCCAGTATCCAGGAGCAGGTA-3'
Protein context (NP_003734.3, residues 1207-1227): RGMTGNIGGQ[Phe1217Val]GTGINPQMQQ

ClinVar aggregate classification (germline): Uncertain significance (1 of 4 stars; one submission).

Conditions:
NCOA1-related disorder. Also called: NCOA1-related condition.

gnomAD v4.1: 4 of 1,614,078 alleles (0.00025%); highest among the groups gnomAD compares: Admixed American, 0.0067%; no homozygotes.

Submission:

PreventionGenetics, part of Exact Sciences
Classification: Uncertain significance for NCOA1-related condition. Last evaluated: 2026-03-04. Review status: criteria provided, single submitter. Criteria: ACMG Guidelines, 2015. Collection method: clinical testing. Allele origin: germline.
Comment: The NCOA1 c.3649T>G variant is predicted to result in the amino acid substitution p.Phe1217Val. To our knowledge, this variant has not been reported in the literature. This variant is reported in 0.0058% of alleles in individuals of Latino descent in gnomAD. At this time, the clinical significance of this variant is uncertain due to the absence of conclusive functional and genetic evidence.